The following is an entry in ClinVar:

NM_004795.4(KL):c.17C>A (p.Pro6Gln)

Gene: KL (klotho; plus strand). Cytogenetic location: 13q13.1.
Variant type: single nucleotide variant.
Coding change: c.17C>A on transcript NM_004795.4 (MANE Select); coding-DNA position 17, C replaced by A.
Protein change: p.Pro6Gln; replaces proline 6 with glutamine.
Molecular consequence: missense variant.
Genome position (GRCh38, 1-based): chr13:33,016,457, C>A. VCF-style: chr13-33016457-C-A. GRCh37 (hg19) VCF-style: chr13-33590595-C-A.
Other names: short protein forms P6Q.
Identifiers: ClinVar variation 3677957 (VCV003677957.2).
Genomic context (GRCh38, chr13:33,016,457, plus strand): 5'-AAAGGGGCGCGGCGCGGGGCCCCGGAGCCTGGCTCCCGCGCAGCATGCCCGCCAGCGCCC[C>A]GCCGCGCCGCCCGCGGCCGCCGCCGCCGTCGCTGTCGCTGCTGCTGGTGCTGCTGGGCCT-3'
Protein context (NP_004786.2, residues 1-16): MPASA[Pro6Gln]PRRPRPPPPS

ClinVar aggregate classification (germline): Uncertain significance (1 of 4 stars; one submission).

Submission:

Labcorp Genetics (formerly Invitae), Labcorp
Classification: Uncertain significance. Last evaluated: 2024-02-09. Review status: criteria provided, single submitter. Criteria: Invitae Variant Classification Sherloc (09022015). Collection method: clinical testing. Allele origin: germline.
Comment: This sequence change replaces proline, which is neutral and non-polar, with glutamine, which is neutral and polar, at codon 6 of the KL protein (p.Pro6Gln). The frequency data for this variant in the population databases is considered unreliable, as metrics indicate insufficient coverage at this position in the gnomAD database. This variant has not been reported in the literature in individuals affected with KL-related conditions. An algorithm developed to predict the effect of missense changes on protein structure and function (PolyPhen-2) suggests that this variant is likely to be tolerated. In summary, the available evidence is currently insufficient to determine the role of this variant in disease. Therefore, it has been classified as a Variant of Uncertain Significance.